The following is an entry in ClinVar:

ClinVar aggregate classification (germline): Uncertain significance (1 of 4 stars; one submission).

Allele frequency attached by ClinVar (database versions not stated): gnomAD exomes below 0.00001; ExAC 0.00001; TOPMed 0.00002; gnomAD 0.00003.
gnomAD v4.1: 6 of 1,614,026 alleles (0.00037%); highest among the groups gnomAD compares: African/African-American, 0.008%; no homozygotes.

Submission:

Labcorp Genetics (formerly Invitae), Labcorp
Classification: Uncertain significance. Last evaluated: 2022-08-19. Review status: criteria provided, single submitter. Criteria: Invitae Variant Classification Sherloc (09022015). Collection method: clinical testing. Allele origin: germline.
Comment: This sequence change replaces glutamic acid, which is acidic and polar, with aspartic acid, which is acidic and polar, at codon 1527 of the DUOX2 protein (p.Glu1527Asp). This variant is present in population databases (rs771982009, gnomAD 0.007%). This variant has not been reported in the literature in individuals affected with DUOX2-related conditions. Advanced modeling of protein sequence and biophysical properties (such as structural, functional, and spatial information, amino acid conservation, physicochemical variation, residue mobility, and thermodynamic stability) performed at Invitae indicates that this missense variant is not expected to disrupt DUOX2 protein function. In summary, the available evidence is currently insufficient to determine the role of this variant in disease. Therefore, it has been classified as a Variant of Uncertain Significance.

NM_001363711.2(DUOX2):c.4581G>T (p.Glu1527Asp)

Gene: DUOX2 (dual oxidase 2; minus strand). Cytogenetic location: 15q21.1.
Variant type: single nucleotide variant.
Coding change: c.4581G>T on transcript NM_001363711.2 (MANE Select); coding-DNA position 4581, G replaced by T.
Protein change: p.Glu1527Asp; replaces glutamic acid 1527 with aspartic acid.
Molecular consequence: missense variant.
Genome position (GRCh38, 1-based): chr15:45,094,216, C>A on the plus strand (G>T on the coding strand, the complement: DUOX2 is on the minus strand). VCF-style: chr15-45094216-C-A. GRCh37 (hg19) VCF-style: chr15-45386414-C-A.
Other names: c.4581G>T, p.Glu1527Asp (NM_014080.5); short protein forms E1527D.
Identifiers: ClinVar variation 2095053 (VCV002095053.4), dbSNP rs771982009, ClinGen allele CA7537459.